The following is an entry in ClinVar:

NM_014023.4(WDR37):c.311A>G (p.Lys104Arg)

Gene: WDR37 (WD repeat domain 37; plus strand). Cytogenetic location: 10p15.3.
Variant type: single nucleotide variant.
Coding change: c.311A>G on transcript NM_014023.4 (MANE Select); coding-DNA position 311, A replaced by G.
Protein change: p.Lys104Arg; replaces lysine 104 with arginine.
Molecular consequence: missense variant.
Genome position (GRCh38, 1-based): chr10:1,080,086, A>G. VCF-style: chr10-1080086-A-G. GRCh37 (hg19) VCF-style: chr10-1126026-A-G.
Other names: short protein forms K104R.
Identifiers: ClinVar variation 2629090 (VCV002629090.9), dbSNP rs754944605, ClinGen allele CA5383928.

ClinVar aggregate classification (germline): Conflicting classifications of pathogenicity. Review status: criteria provided, conflicting classifications (1 of 4 stars). 2 submissions from 2 submitters: Uncertain significance (1); Likely benign (1). Last evaluated 2025-06-01.

Conditions:
WDR37-related disorder. Also called: WDR37-related condition.

Allele frequency attached by ClinVar (database versions not stated): gnomAD 0.00001; ExAC 0.00002; gnomAD exomes 0.00002; TOPMed 0.00002.
gnomAD v4.1: 30 of 1,614,028 alleles (0.0019%); highest among the groups gnomAD compares: Non-Finnish European, 0.002%; no homozygotes.

Submissions (2):

CeGaT Center for Human Genetics Tuebingen
Classification: Likely benign. Last evaluated: 2025-06-01. Review status: criteria provided, single submitter. Criteria: CeGaT Center For Human Genetics Tuebingen Variant Classification Criteria Version 2. Collection method: clinical testing. Allele origin: germline. Affected: yes. Observed: 1 variant allele.
Comment: WDR37: BS2

PreventionGenetics, part of Exact Sciences
Classification: Uncertain significance for WDR37-related condition. Last evaluated: 2023-01-18. Review status: criteria provided, single submitter. Criteria: ACMG Guidelines, 2015. Collection method: clinical testing. Allele origin: germline.
Comment: The WDR37 c.311A>G variant is predicted to result in the amino acid substitution p.Lys104Arg. To our knowledge, this variant has not been reported in the literature. This variant is reported in 0.0018% of alleles in individuals of European (Non-Finnish) descent in gnomAD. At this time, the clinical significance of this variant is uncertain due to the absence of conclusive functional and genetic evidence.